The following is an entry in ClinVar:

NM_000044.6(AR):c.1103del (p.Pro368fs)

Gene: AR (androgen receptor; plus strand). Cytogenetic location: Xq12.
Variant type: Deletion.
Coding change: c.1103del on transcript NM_000044.6 (MANE Select); coding-DNA position 1103, one base deleted (C; older notation c.1103delC).
Protein change: p.Pro368fs; shifts the reading frame from proline 368.
Molecular consequence: frameshift variant. On other transcripts: 5 prime UTR variant (1).
Genome position (GRCh38, 1-based): chrX:67,546,249, C deleted; the last of 2 consecutive C bases (chrX:67,546,248-67,546,249); deleting either gives the same sequence. VCF-style (leftmost placement, unchanged base first): chrX-67546247-TC-T. GRCh37 (hg19) VCF-style: chrX-66766089-TC-T.
Other names: c.-681del (NM_001011645.3); c.1103del, p.Pro368fs (NM_001348061.1, NM_001348063.1, NM_001348064.1); c.1103delC, p.Pro368Hisfs (NM_001424175.1); short protein forms P368fs.
Identifiers: ClinVar variation 2630763 (VCV002630763.1), dbSNP rs2519608153, ClinGen allele CA2695200221.

ClinVar aggregate classification (germline): Likely pathogenic (1 of 4 stars; one submission).

Conditions:
AR-related disorder. Also called: AR-related condition.

Submission:

PreventionGenetics, part of Exact Sciences
Classification: Likely pathogenic for AR-related condition. Last evaluated: 2023-09-06. Review status: criteria provided, single submitter. Criteria: ACMG Guidelines, 2015. Collection method: clinical testing. Allele origin: germline.
Comment: The AR c.1103delC variant is predicted to result in a frameshift and premature protein termination (p.Pro368Hisfs*111). To our knowledge, this variant has not been reported in the literature or in a large population database, indicating this variant is rare. Frameshift variants in AR are expected to be pathogenic. This variant is interpreted as likely pathogenic.